The following is an entry in ClinVar:

NM_004360.5(CDH1):c.1096A>T (p.Thr366Ser)

Gene: CDH1 (cadherin 1; plus strand). Cytogenetic location: 16q22.1.
Variant type: single nucleotide variant.
Coding change: c.1096A>T on transcript NM_004360.5 (MANE Select); coding-DNA position 1096, A replaced by T.
Protein change: p.Thr366Ser; replaces threonine 366 with serine.
Molecular consequence: missense variant. On other transcripts: 5 prime UTR variant (2).
Genome position (GRCh38, 1-based): chr16:68,812,222, A>T. VCF-style: chr16-68812222-A-T. GRCh37 (hg19) VCF-style: chr16-68846125-A-T.
Other names: c.1096A>T, p.Thr366Ser (NM_001317184.2); c.-520A>T (NM_001317185.2); c.-724A>T (NM_001317186.2); short protein forms T366S.
Identifiers: ClinVar variation 3641197 (VCV003641197.2).

ClinVar aggregate classification (germline): Uncertain significance (1 of 4 stars; one submission).

Conditions:
Hereditary diffuse gastric adenocarcinoma (HDGC). Also called: DIFFUSE GASTRIC AND LOBULAR BREAST CANCER SYNDROME. Identifiers: Orphanet 26106, MedGen C1708349, MONDO:0007648, OMIM 137215.

Submission:

Labcorp Genetics (formerly Invitae), Labcorp
Classification: Uncertain significance for Hereditary diffuse gastric adenocarcinoma. Last evaluated: 2024-09-23. Review status: criteria provided, single submitter. Criteria: Invitae Variant Classification Sherloc (09022015). Collection method: clinical testing. Allele origin: germline.
Comment: This sequence change replaces threonine, which is neutral and polar, with serine, which is neutral and polar, at codon 366 of the CDH1 protein (p.Thr366Ser). This variant is not present in population databases (gnomAD no frequency). This variant has not been reported in the literature in individuals affected with CDH1-related conditions. An algorithm developed to predict the effect of missense changes on protein structure and function (PolyPhen-2) suggests that this variant is likely to be tolerated. In summary, the available evidence is currently insufficient to determine the role of this variant in disease. Therefore, it has been classified as a Variant of Uncertain Significance.